The following is an entry in ClinVar:

NM_004273.5(CHST3):c.655A>G (p.Met219Val)

Gene: CHST3 (carbohydrate sulfotransferase 3; plus strand). Cytogenetic location: 10q22.1.
Variant type: single nucleotide variant.
Coding change: c.655A>G on transcript NM_004273.5 (MANE Select); coding-DNA position 655, A replaced by G.
Protein change: p.Met219Val; replaces methionine 219 with valine.
Molecular consequence: missense variant.
Genome position (GRCh38, 1-based): chr10:72,007,686, A>G. VCF-style: chr10-72007686-A-G. GRCh37 (hg19) VCF-style: chr10-73767444-A-G.
Other names: short protein forms M219V.
Identifiers: ClinVar variation 1486180 (VCV001486180.6), dbSNP rs779793827, ClinGen allele CA5548141.

ClinVar aggregate classification (germline): Uncertain significance (1 of 4 stars; one submission).

Conditions:
Spondyloepiphyseal dysplasia with congenital joint dislocations (SEDCJD). Also called: Chondrodysplasia with Congenital Joint Dislocations, CHST3-Related. Identifiers: Orphanet 263463, MedGen C1837657, MONDO:0007738, OMIM 143095.

Allele frequency attached by ClinVar (database versions not stated): gnomAD exomes below 0.00001 and 0.00001; ExAC 0.00001.
gnomAD v4.1: 6 of 1,608,310 alleles (0.00037%); highest among the groups gnomAD compares: South Asian, 0.0022%; no homozygotes.

Submission:

Labcorp Genetics (formerly Invitae), Labcorp
Classification: Uncertain significance for Spondyloepiphyseal dysplasia with congenital joint dislocations. Last evaluated: 2022-06-03. Review status: criteria provided, single submitter. Criteria: Invitae Variant Classification Sherloc (09022015). Collection method: clinical testing. Allele origin: germline.
Comment: This variant has not been reported in the literature in individuals affected with CHST3-related conditions. In summary, the available evidence is currently insufficient to determine the role of this variant in disease. Therefore, it has been classified as a Variant of Uncertain Significance. Algorithms developed to predict the effect of missense changes on protein structure and function output the following: SIFT: "Tolerated"; PolyPhen-2: "Benign"; Align-GVGD: "Class C0". The valine amino acid residue is found in multiple mammalian species, which suggests that this missense change does not adversely affect protein function. ClinVar contains an entry for this variant (Variation ID: 1486180). This variant is present in population databases (rs779793827, gnomAD 0.007%). This sequence change replaces methionine, which is neutral and non-polar, with valine, which is neutral and non-polar, at codon 219 of the CHST3 protein (p.Met219Val).